The following is an entry in ClinVar:

NM_001080517.3(SETD5):c.3169C>T (p.Pro1057Ser)

Gene: SETD5 (SET domain containing 5; plus strand). Cytogenetic location: 3p25.3.
Variant type: single nucleotide variant.
Coding change: c.3169C>T on transcript NM_001080517.3 (MANE Select); coding-DNA position 3169, C replaced by T.
Protein change: p.Pro1057Ser; replaces proline 1057 with serine.
Molecular consequence: missense variant.
Genome position (GRCh38, 1-based): chr3:9,470,903, C>T. VCF-style: chr3-9470903-C-T. GRCh37 (hg19) VCF-style: chr3-9512587-C-T.
Other names: c.2875C>T, p.Pro959Ser (NM_001292043.2, NM_001349451.2); short protein forms P1057S, P959S.
Identifiers: ClinVar variation 2793230 (VCV002793230.3), dbSNP rs2473814670, ClinGen allele CA351682907.

ClinVar aggregate classification (germline): Uncertain significance (1 of 4 stars; one submission).

Submission:

Labcorp Genetics (formerly Invitae), Labcorp
Classification: Uncertain significance. Last evaluated: 2023-03-17. Review status: criteria provided, single submitter. Criteria: Invitae Variant Classification Sherloc (09022015). Collection method: clinical testing. Allele origin: germline.
Comment: This sequence change replaces proline, which is neutral and non-polar, with serine, which is neutral and polar, at codon 1057 of the SETD5 protein (p.Pro1057Ser). This variant is not present in population databases (gnomAD no frequency). In summary, the available evidence is currently insufficient to determine the role of this variant in disease. Therefore, it has been classified as a Variant of Uncertain Significance. Advanced modeling of protein sequence and biophysical properties (such as structural, functional, and spatial information, amino acid conservation, physicochemical variation, residue mobility, and thermodynamic stability) performed at Invitae indicates that this missense variant is not expected to disrupt SETD5 protein function. This variant has not been reported in the literature in individuals affected with SETD5-related conditions.